The following is an entry in ClinVar:

ClinVar aggregate classification (germline): Uncertain significance (1 of 4 stars; one submission).

Conditions:
Cardiovascular phenotype. Identifiers: MedGen CN230736.

gnomAD v4.1: 4 of 1,509,006 alleles (0.00027%); highest among the groups gnomAD compares: Non-Finnish European, 0.00026%; no homozygotes.

Submission:

Ambry Genetics
Classification: Uncertain significance for Cardiovascular phenotype. Last evaluated: 2025-11-07. Review status: criteria provided, single submitter. Criteria: Ambry Variant Classification Scheme 2023. Collection method: clinical testing. Allele origin: germline.
Comment: The p.D185H variant (also known as c.553G>C), located in coding exon 1 of the GATA4 gene, results from a G to C substitution at nucleotide position 553. The aspartic acid at codon 185 is replaced by histidine, an amino acid with similar properties. This amino acid position is conserved. In addition, this alteration is predicted to be deleterious by in silico analysis. Based on the available evidence, the clinical significance of this variant remains unclear.

NM_001308093.3(GATA4):c.553G>C (p.Asp185His)

Gene: GATA4 (GATA binding protein 4). Cytogenetic location: 8p23.1.
Variant type: single nucleotide variant.
Coding change: c.553G>C on transcript NM_001308093.3 (MANE Select); coding-DNA position 553, G replaced by C.
Protein change: p.Asp185His; replaces aspartic acid 185 with histidine.
Molecular consequence: missense variant. On other transcripts: intron variant (3).
Genome position (GRCh38, 1-based): chr8:11,708,865, G>C. VCF-style: chr8-11708865-G-C. GRCh37 (hg19) VCF-style: chr8-11566374-G-C.
Other names: c.553G>C, p.Asp185His (NM_002052.5); c.-6+8087G>C (NM_001308094.2); c.-3+851G>C (NM_001374274.1); c.-3+4561G>C (NM_001374273.1); short protein forms D185H.
Identifiers: ClinVar variation 4614234 (VCV004614234.1).